The following is an entry in ClinVar:

NM_004714.3(DYRK1B):c.32C>T (p.Ser11Phe)

Gene: DYRK1B (dual specificity tyrosine phosphorylation regulated kinase 1B; minus strand). Cytogenetic location: 19q13.2.
Variant type: single nucleotide variant.
Coding change: c.32C>T on transcript NM_004714.3 (MANE Select); coding-DNA position 32, C replaced by T.
Protein change: p.Ser11Phe; replaces serine 11 with phenylalanine.
Molecular consequence: missense variant.
Genome position (GRCh38, 1-based): chr19:39,831,836, G>A on the plus strand (C>T on the coding strand, the complement: DYRK1B is on the minus strand). VCF-style: chr19-39831836-G-A. GRCh37 (hg19) VCF-style: chr19-40322476-G-A.
Other names: c.32C>T, p.Ser11Phe (NM_006483.3, NM_006484.3); short protein forms S11F.
Identifiers: ClinVar variation 4778677 (VCV004778677.1).

ClinVar aggregate classification (germline): Uncertain significance (1 of 4 stars; one submission).

gnomAD v4.1: 3 of 1,540,932 alleles (0.00019%); highest among the groups gnomAD compares: Admixed American, 0.006%; no homozygotes.

Submission:

Labcorp Genetics (formerly Invitae), Labcorp
Classification: Uncertain significance. Last evaluated: 2025-06-08. Review status: criteria provided, single submitter. Criteria: Invitae Variant Classification Sherloc (09022015). Collection method: clinical testing. Allele origin: germline.
Comment: This sequence change replaces serine, which is neutral and polar, with phenylalanine, which is neutral and non-polar, at codon 11 of the DYRK1B protein (p.Ser11Phe). This variant is present in population databases (no rsID available, gnomAD 0.009%). This variant has not been reported in the literature in individuals affected with DYRK1B-related conditions. Invitae Evidence Modeling of protein sequence and biophysical properties (such as structural, functional, and spatial information, amino acid conservation, physicochemical variation, residue mobility, and thermodynamic stability) indicates that this missense variant is not expected to disrupt DYRK1B protein function with a negative predictive value of 95%. In summary, the available evidence is currently insufficient to determine the role of this variant in disease. Therefore, it has been classified as a Variant of Uncertain Significance.